The following is an entry in ClinVar:

NM_001048174.2(MUTYH):c.1259A>T (p.His420Leu)

Gene: MUTYH (mutY DNA glycosylase; minus strand). Cytogenetic location: 1p34.1.
Variant type: single nucleotide variant.
Coding change: c.1259A>T on transcript NM_001048174.2 (MANE Select); coding-DNA position 1259, A replaced by T.
Protein change: p.His420Leu; replaces histidine 420 with leucine.
Molecular consequence: missense variant. On other transcripts: non-coding transcript variant (7).
Genome position (GRCh38, 1-based): chr1:45,331,315, T>A on the plus strand (A>T on the coding strand, the complement: MUTYH is on the minus strand). VCF-style: chr1-45331315-T-A. GRCh37 (hg19) VCF-style: chr1-45796987-T-A.
Other names: c.1259A>T, p.His420Leu (NM_001048171.2, NM_001048173.2, NM_001293195.2 and 6 more transcripts); c.1262A>T, p.His421Leu (NM_001048172.2, NM_001407086.1, NM_001407071.1 and 1 more transcripts); c.1343A>T, p.His448Leu (NM_001128425.2); c.1304A>T, p.His435Leu (NM_001293190.2); c.1292A>T, p.His431Leu (NM_001293191.2, NM_001407069.1, NM_001407077.1); c.983A>T, p.His328Leu (NM_001293192.2, NM_001293196.2, NM_001407091.1); c.1220A>T, p.His407Leu (NM_001407079.1); c.1217A>T, p.His406Leu (NM_001407080.1); and 5 more; short protein forms H328L, H420L, H427L, H435L, H448L, H392L, H407L, H406L.
Identifiers: ClinVar variation 2770415 (VCV002770415.3), dbSNP rs2523925462, ClinGen allele CA340132769.

ClinVar aggregate classification (germline): Uncertain significance (1 of 4 stars; one submission).

Conditions:
Familial adenomatous polyposis 2. Also called: MUTYH-associated polyposis; Adenomas, multiple colorectal; COLORECTAL ADENOMATOUS POLYPOSIS, AUTOSOMAL RECESSIVE; ADENOMAS, MULTIPLE COLORECTAL, AUTOSOMAL RECESSIVE; MUTYH-related attenuated familial adenomatous polyposis; MYH-associated polyposis. Identifiers: Orphanet 220460, Orphanet 247798, MedGen C3272841, MONDO:0012041, OMIM 608456.

Submission:

Labcorp Genetics (formerly Invitae), Labcorp
Classification: Uncertain significance for Familial adenomatous polyposis 2. Last evaluated: 2023-10-22. Review status: criteria provided, single submitter. Criteria: Invitae Variant Classification Sherloc (09022015). Collection method: clinical testing. Allele origin: germline.
Comment: This sequence change replaces histidine, which is basic and polar, with leucine, which is neutral and non-polar, at codon 448 of the MUTYH protein (p.His448Leu). This variant is not present in population databases (gnomAD no frequency). This variant has not been reported in the literature in individuals affected with MUTYH-related conditions. An algorithm developed to predict the effect of missense changes on protein structure and function (PolyPhen-2) suggests that this variant is likely to be disruptive. In summary, the available evidence is currently insufficient to determine the role of this variant in disease. Therefore, it has been classified as a Variant of Uncertain Significance.